The following is an entry in ClinVar:

NM_004304.5(ALK):c.3524A>G (p.Asn1175Ser)

Gene: ALK (ALK receptor tyrosine kinase; minus strand). Cytogenetic location: 2p23.2.
Variant type: single nucleotide variant.
Coding change: c.3524A>G on transcript NM_004304.5 (MANE Select); coding-DNA position 3524, A replaced by G.
Protein change: p.Asn1175Ser; replaces asparagine 1175 with serine.
Molecular consequence: missense variant.
Genome position (GRCh38, 1-based): chr2:29,220,827, T>C on the plus strand (A>G on the coding strand, the complement: ALK is on the minus strand). VCF-style: chr2-29220827-T-C. GRCh37 (hg19) VCF-style: chr2-29443693-T-C.
Other names: c.320A>G, p.Asn107Ser (NM_001353765.2); short protein forms N1175S, N107S.
Identifiers: ClinVar variation 470834 (VCV000470834.22), dbSNP rs774872969, ClinGen allele CA1593867.
Genomic context (GRCh38, chr2:29,220,827, plus strand): 5'-AGGATGAACCGGGGCAGGGATTGCAGGCTCACCCCAATGCAGCGAACAATGTTCTGGTGG[T>C]TGAATTTGCTGCAGAGCAGAGAGGGATGTAACCAAAATTAACTGAGCTGAGTCTGGGCAA-3'
Protein context (NP_004295.2, residues 1165-1185): LMEALIISKF[Asn1175Ser]HQNIVRCIGV

ClinVar aggregate classification (germline): Uncertain significance. Review status: criteria provided, multiple submitters, no conflicts (2 of 4 stars). 6 submissions from 6 submitters: Uncertain significance (6). Last evaluated 2025-11-17.

Conditions:
Neuroblastoma, susceptibility to, 3. Also called: ALK-Related Neuroblastic Tumor Susceptibility. Identifiers: Orphanet 635, MedGen C2751681, MONDO:0013083, OMIM 613014.
Hereditary cancer-predisposing syndrome. Also called: Hereditary neoplastic syndrome; Neoplastic Syndromes, Hereditary; Tumor predisposition; Hereditary Cancer Syndrome. Identifiers: Orphanet 140162, MedGen C0027672, MeSH D009386, MONDO:0015356.

Allele frequency attached by ClinVar (database versions not stated): gnomAD 0.00001; TOPMed 0.00001; gnomAD exomes 0.00002 and 0.00006; ExAC 0.00003.
gnomAD v4.1: 87 of 1,613,950 alleles (0.0054%); highest among the groups gnomAD compares: Non-Finnish European, 0.0071%; no homozygotes.

Submissions (6):

Labcorp Genetics (formerly Invitae), Labcorp
Classification: Uncertain significance for Neuroblastoma, susceptibility to, 3. Last evaluated: 2025-11-17. Review status: criteria provided, single submitter. Criteria: Invitae Variant Classification Sherloc (09022015). Collection method: clinical testing. Allele origin: germline.
Comment: This sequence change replaces asparagine, which is neutral and polar, with serine, which is neutral and polar, at codon 1175 of the ALK protein (p.Asn1175Ser). This variant is present in population databases (rs774872969, gnomAD 0.005%). This variant has not been reported in the literature in individuals affected with ALK-related conditions. ClinVar contains an entry for this variant (Variation ID: 470834). An algorithm developed to predict the effect of missense changes on protein structure and function (PolyPhen-2) suggests that this variant is likely to be disruptive. In summary, the available evidence is currently insufficient to determine the role of this variant in disease. Therefore, it has been classified as a Variant of Uncertain Significance.

Ambry Genetics
Classification: Uncertain significance for Hereditary cancer-predisposing syndrome. Last evaluated: 2024-11-12. Review status: criteria provided, single submitter. Criteria: Ambry Variant Classification Scheme 2023. Collection method: clinical testing. Allele origin: germline.
Comment: The p.N1175S variant (also known as c.3524A>G), located in coding exon 23 of the ALK gene, results from an A to G substitution at nucleotide position 3524. The asparagine at codon 1175 is replaced by serine, an amino acid with highly similar properties. This amino acid position is well conserved in available vertebrate species. In addition, this alteration is predicted to be tolerated by in silico analysis. Since supporting evidence is limited at this time, the clinical significance of this alteration remains unclear.

GeneDx
Classification: Uncertain significance. Last evaluated: 2024-06-27. Review status: criteria provided, single submitter. Criteria: GeneDx Variant Classification Process June 2021. Collection method: clinical testing. Allele origin: germline. Affected: yes.
Comment: In silico analysis supports that this missense variant has a deleterious effect on protein structure/function; Has not been previously published as pathogenic or benign to our knowledge

Baylor Genetics
Classification: Uncertain significance for Neuroblastoma, susceptibility to, 3. Last evaluated: 2023-06-06. Review status: criteria provided, single submitter. Criteria: ACMG Guidelines, 2015. Collection method: clinical testing. Allele origin: unknown.

Sema4
Classification: Uncertain significance for Hereditary cancer-predisposing syndrome. Last evaluated: 2021-11-25. Review status: criteria provided, single submitter. Criteria: Sema4 Curation Guidelines. Collection method: curation. Allele origin: germline.
Comment: To the best of our knowledge, the ALK c.3524A>G (p.N1175S) variant has not been reported in individuals with ALK-related disease. It was observed in 6/282750 chromosomes of the Non-Finnish European subpopulation in the large and broad cohorts of the Genome Aggregation Database (PMID: 32461654). This variant has been reported in ClinVar (Variation ID 470834). Functional studies have not been performed, and in silico predictions of the variant's effect on protein function are inconclusive. The evidence is insufficient to meet ACMG/AMP criteria for classifying the variant as benign or pathogenic. Thus, the clinical significance of this variant is currently uncertain.

Illumina Laboratory Services, Illumina
Classification: Uncertain significance for Neuroblastoma, susceptibility to, 3. Last evaluated: 2018-01-13. Review status: criteria provided, single submitter. Criteria: ICSL Variant Classification Criteria 13 December 2019. Collection method: clinical testing. Allele origin: germline.